The following is an entry in ClinVar:

ClinVar aggregate classification (germline): Uncertain significance (1 of 4 stars; one submission).

Conditions:
Progressive myoclonic epilepsy type 3. Also called: EPILEPSY, PROGRESSIVE MYOCLONIC, 3, WITH OR WITHOUT INTRACELLULAR INCLUSIONS; CEROID LIPOFUSCINOSIS, NEURONAL, 14; EPILEPSY, PROGRESSIVE MYOCLONIC, 3, WITHOUT INTRACELLULAR INCLUSIONS; KCTD7-Related Progressive Myoclonic Epilepsy. Identifiers: Orphanet 263516, MedGen C2673257, MONDO:0012721, OMIM 611726.

gnomAD v4.1: 3 of 1,613,978 alleles (0.00019%); highest among the groups gnomAD compares: South Asian, 0.0022%; no homozygotes.

Submission:

Labcorp Genetics (formerly Invitae), Labcorp
Classification: Uncertain significance for Progressive myoclonic epilepsy type 3. Last evaluated: 2022-02-03. Review status: criteria provided, single submitter. Criteria: Invitae Variant Classification Sherloc (09022015). Collection method: clinical testing. Allele origin: germline.
Comment: This sequence change replaces arginine, which is basic and polar, with glycine, which is neutral and non-polar, at codon 175 of the KCTD7 protein (p.Arg175Gly). This variant is present in population databases (rs568539835, gnomAD 0.006%). This variant has not been reported in the literature in individuals affected with KCTD7-related conditions. ClinVar contains an entry for this variant (Variation ID: 1006968). Algorithms developed to predict the effect of missense changes on protein structure and function are either unavailable or do not agree on the potential impact of this missense change (SIFT: "Deleterious"; PolyPhen-2: "Benign"; Align-GVGD: "Class C15"). In summary, the available evidence is currently insufficient to determine the role of this variant in disease. Therefore, it has been classified as a Variant of Uncertain Significance.

NM_153033.5(KCTD7):c.523C>G (p.Arg175Gly)

Gene: KCTD7 (potassium channel tetramerization domain containing 7; plus strand). Cytogenetic location: 7q11.21.
Variant type: single nucleotide variant.
Coding change: c.523C>G on transcript NM_153033.5 (MANE Select); coding-DNA position 523, C replaced by G.
Protein change: p.Arg175Gly; replaces arginine 175 with glycine.
Molecular consequence: missense variant.
Genome position (GRCh38, 1-based): chr7:66,638,885, C>G. VCF-style: chr7-66638885-C-G. GRCh37 (hg19) VCF-style: chr7-66103872-C-G.
Other names: c.523C>G, p.Arg175Gly (NM_001167961.2); short protein forms R175G.
Identifiers: ClinVar variation 1006968 (VCV001006968.8), dbSNP rs568539835, ClinGen allele CA4278286.